The following is an entry in ClinVar:

NM_004963.4(GUCY2C):c.2096A>G (p.Asn699Ser)

Gene: GUCY2C (guanylate cyclase 2C; minus strand). Cytogenetic location: 12p12.3.
Variant type: single nucleotide variant.
Coding change: c.2096A>G on transcript NM_004963.4 (MANE Select); coding-DNA position 2096, A replaced by G.
Protein change: p.Asn699Ser; replaces asparagine 699 with serine.
Molecular consequence: missense variant.
Genome position (GRCh38, 1-based): chr12:14,639,923, T>C on the plus strand (A>G on the coding strand, the complement: GUCY2C is on the minus strand). VCF-style: chr12-14639923-T-C. GRCh37 (hg19) VCF-style: chr12-14792857-T-C.
Other names: c.2096A>G (NM_004963.3); short protein forms N699S.
Identifiers: ClinVar variation 2075537 (VCV002075537.5), dbSNP rs112675050, ClinGen allele CA6463179.

ClinVar aggregate classification (germline): Uncertain significance. Review status: criteria provided, multiple submitters, no conflicts (2 of 4 stars). 2 submissions from 2 submitters: Uncertain significance (2). Last evaluated 2025-11-01.

Conditions:
Inborn genetic diseases. Identifiers: MedGen C0950123, MeSH D030342.

Allele frequency attached by ClinVar (database versions not stated): ExAC 0.00003; gnomAD exomes 0.00005; gnomAD 0.00006; TOPMed 0.00006; 1000 Genomes Project 30x 0.00016; 1000 Genomes Project 0.00020.
gnomAD v4.1: 85 of 1,611,012 alleles (0.0053%); highest among the groups gnomAD compares: East Asian, 0.058%; no homozygotes.

Submissions (2):

Labcorp Genetics (formerly Invitae), Labcorp
Classification: Uncertain significance. Last evaluated: 2025-11-01. Review status: criteria provided, single submitter. Criteria: Invitae Variant Classification Sherloc (09022015). Collection method: clinical testing. Allele origin: germline.
Comment: This sequence change replaces asparagine, which is neutral and polar, with serine, which is neutral and polar, at codon 699 of the GUCY2C protein (p.Asn699Ser). This variant is present in population databases (rs112675050, gnomAD 0.007%). This variant has not been reported in the literature in individuals affected with GUCY2C-related conditions. ClinVar contains an entry for this variant (Variation ID: 2075537). An algorithm developed to predict the effect of missense changes on protein structure and function (PolyPhen-2) suggests that this variant is likely to be tolerated. In summary, the available evidence is currently insufficient to determine the role of this variant in disease. Therefore, it has been classified as a Variant of Uncertain Significance.

Ambry Genetics
Classification: Uncertain significance for Inborn genetic diseases. Last evaluated: 2021-07-13. Review status: criteria provided, single submitter. Criteria: Ambry Variant Classification Scheme 2023. Collection method: clinical testing. Allele origin: germline.